The following is an entry in ClinVar:

ClinVar aggregate classification (germline): Uncertain significance (1 of 4 stars; one submission).

Allele frequency attached by ClinVar (database versions not stated): TOPMed below 0.00001.

Submission:

GeneDx
Classification: Uncertain significance. Last evaluated: 2022-06-23. Review status: criteria provided, single submitter. Criteria: GeneDx Variant Classification Process June 2021. Collection method: clinical testing. Allele origin: germline. Affected: yes.
Comment: Not observed at significant frequency in large population cohorts (gnomAD); In silico analysis supports that this missense variant does not alter protein structure/function; Has not been previously published as pathogenic or benign to our knowledge

NM_004268.5(MED17):c.1166C>G (p.Ser389Cys)

Gene: MED17 (mediator complex subunit 17; plus strand). Cytogenetic location: 11q21.
Variant type: single nucleotide variant.
Coding change: c.1166C>G on transcript NM_004268.5 (MANE Select); coding-DNA position 1166, C replaced by G.
Protein change: p.Ser389Cys; replaces serine 389 with cysteine.
Molecular consequence: missense variant.
Genome position (GRCh38, 1-based): chr11:93,797,557, C>G. VCF-style: chr11-93797557-C-G. GRCh37 (hg19) VCF-style: chr11-93530723-C-G.
Other names: short protein forms S389C.
Identifiers: ClinVar variation 1806597 (VCV001806597.1), dbSNP rs1943917407, ClinGen allele CA382358252.